The following is an entry in ClinVar:

ClinVar aggregate classification (germline): Benign (1 of 4 stars; one submission).

Allele frequency attached by ClinVar (database versions not stated): TOPMed 0.00001; gnomAD 0.00004; gnomAD exomes 0.00005; 1000 Genomes Project 30x 0.00047; 1000 Genomes Project 0.00060.
gnomAD v4.1: 17 of 398,652 alleles (0.0043%); highest among the groups gnomAD compares: South Asian, 0.2%; no homozygotes.

Submission:

CeGaT Center for Human Genetics Tuebingen
Classification: Benign. Last evaluated: 2023-03-01. Review status: criteria provided, single submitter. Criteria: CeGaT Center For Human Genetics Tuebingen Variant Classification Criteria Version 2. Collection method: clinical testing. Allele origin: germline. Affected: yes. Observed: 1 variant allele.
Comment: KCNQ1OT1: BS1, BS2

NM_000218.3(KCNQ1):c.1394-15976G>A

Genes: KCNQ1 (potassium voltage-gated channel subfamily Q member 1; plus strand), KCNQ1OT1 (KCNQ1 opposite strand/antisense transcript 1; minus strand). Cytogenetic location: 11p15.5.
Variant type: single nucleotide variant.
Coding change: c.1394-15976G>A on transcript NM_000218.3 (MANE Select); 15976 bases into the intron before coding-DNA position 1394, G replaced by A.
Molecular consequence: intron variant. On other transcripts: non-coding transcript variant (1).
Genome position (GRCh38, 1-based): chr11:2,645,985, G>A. VCF-style: chr11-2645985-G-A. GRCh37 (hg19) VCF-style: chr11-2667215-G-A.
Other names: c.1124-15976G>A (NM_001406837.1); c.1298-15976G>A (NM_001406836.1); c.854-15976G>A (NM_001406838.1); c.1013-15976G>A (NM_181798.2).
Identifiers: ClinVar variation 2641422 (VCV002641422.24), dbSNP rs573185666, ClinGen allele CA216158338.